The following is an entry in ClinVar:

NM_031885.5(BBS2):c.1223A>G (p.Asn408Ser)

Gene: BBS2 (Bardet-Biedl syndrome 2; minus strand). Cytogenetic location: 16q13.
Variant type: single nucleotide variant.
Coding change: c.1223A>G on transcript NM_031885.5 (MANE Select); coding-DNA position 1223, A replaced by G.
Protein change: p.Asn408Ser; replaces asparagine 408 with serine.
Molecular consequence: missense variant. On other transcripts: non-coding transcript variant (5).
Genome position (GRCh38, 1-based): chr16:56,501,355, T>C on the plus strand (A>G on the coding strand, the complement: BBS2 is on the minus strand). VCF-style: chr16-56501355-T-C. GRCh37 (hg19) VCF-style: chr16-56535267-T-C.
Other names: c.1223A>G, p.Asn408Ser (NM_001377456.1); short protein forms N408S.
Identifiers: ClinVar variation 937791 (VCV000937791.8), dbSNP rs761864599, ClinGen allele CA8065805.
Genomic context (GRCh38, chr16:56,501,355, plus strand): 5'-AGAATGACTCCAAGATGGCACAGGTGCCTCTAAATACCAGCTGTGAGTACTGTCTTACCA[T>C]TAGAAGTGGAAATGCGTAATTCTGTATGAGCAGTTTGGGTCTCATTCCCCAGGCTGACTG-3'
Protein context (NP_114091.4, residues 398-418): AHTELRISTS[Asn408Ser]DTIIRAVLIF

ClinVar aggregate classification (germline): Uncertain significance. Review status: criteria provided, multiple submitters, no conflicts (2 of 4 stars). 5 submissions from 5 submitters: Uncertain significance (3). 2 of the submissions do not count toward it. Last evaluated 2022-11-22.

Conditions:
BBS2-related disorder. Also called: BBS2-related disorders; BBS2-related condition. Identifiers: MedGen CN239228.
Bardet-Biedl syndrome 2 (BBS2). Identifiers: Orphanet 110, MedGen C2936863, MONDO:0014432, OMIM 615981.
Retinitis pigmentosa 74 (RP74). Identifiers: Orphanet 791, MedGen C4225281, MONDO:0014692, OMIM 616562.
Bardet-Biedl syndrome (BBS). Identifiers: Orphanet 110, MedGen C0752166, MONDO:0015229.

Allele frequency attached by ClinVar (database versions not stated): gnomAD exomes 0.00002 and 0.00003; TOPMed 0.00002; gnomAD 0.00003; ExAC 0.00004.
gnomAD v4.1: 41 of 1,613,830 alleles (0.0025%); highest among the groups gnomAD compares: Non-Finnish European, 0.0033%; no homozygotes.

Submissions (5):

Blueprint Genetics
Classification: Uncertain significance. Last evaluated: 2022-11-22. Review status: criteria provided, single submitter. Criteria: ACMG Guidelines, 2015. Collection method: clinical testing. Allele origin: germline.

Labcorp Genetics (formerly Invitae), Labcorp
Classification: Uncertain significance for Bardet-Biedl syndrome. Last evaluated: 2022-10-18. Review status: criteria provided, single submitter. Criteria: Invitae Variant Classification Sherloc (09022015). Collection method: clinical testing. Allele origin: germline.
Comment: This sequence change replaces asparagine, which is neutral and polar, with serine, which is neutral and polar, at codon 408 of the BBS2 protein (p.Asn408Ser). This variant is present in population databases (rs761864599, gnomAD 0.004%). This variant has not been reported in the literature in individuals affected with BBS2-related conditions. ClinVar contains an entry for this variant (Variation ID: 937791). Algorithms developed to predict the effect of missense changes on protein structure and function are either unavailable or do not agree on the potential impact of this missense change (SIFT: "Tolerated"; PolyPhen-2: "Probably Damaging"; Align-GVGD: "Class C0"). Algorithms developed to predict the effect of sequence changes on RNA splicing suggest that this variant may disrupt the consensus splice site. In summary, the available evidence is currently insufficient to determine the role of this variant in disease. Therefore, it has been classified as a Variant of Uncertain Significance.

Fulgent Genetics
Classification: Uncertain significance for Bardet-Biedl syndrome 2; Retinitis pigmentosa 74. Last evaluated: 2021-08-01. Review status: criteria provided, single submitter. Criteria: ACMG Guidelines, 2015. Collection method: clinical testing. Allele origin: unknown.

PreventionGenetics, part of Exact Sciences
Classification: Uncertain significance for BBS2-related condition. Last evaluated: 2024-04-09. Review status: no assertion criteria provided. Collection method: clinical testing. Allele origin: germline. Not counted in ClinVar's aggregate classification.
Comment: The BBS2 c.1223A>G variant is predicted to result in the amino acid substitution p.Asn408Ser. To our knowledge, this variant has not been reported in the literature. This variant is reported in 0.0044% of alleles in individuals of European (Non-Finnish) descent in gnomAD. At this time, the clinical significance of this variant is uncertain due to the absence of conclusive functional and genetic evidence.

Natera, Inc.
Classification: Uncertain significance for Bardet-Biedl syndrome type 2. Last evaluated: 2020-03-25. Review status: no assertion criteria provided. Collection method: clinical testing. Allele origin: germline. Not counted in ClinVar's aggregate classification.